The following is an entry in ClinVar:

NM_000545.8(HNF1A):c.713+14C>T

Gene: HNF1A (HNF1 homeobox A; plus strand). Cytogenetic location: 12q24.31.
Variant type: single nucleotide variant.
Coding change: c.713+14C>T on transcript NM_000545.8 (MANE Select); 14 bases into the intron after coding-DNA position 713, C replaced by T.
Molecular consequence: intron variant.
Genome position (GRCh38, 1-based): chr12:120,993,720, C>T. VCF-style: chr12-120993720-C-T. GRCh37 (hg19) VCF-style: chr12-121431523-C-T.
Other names: c.713+14C>T (NM_001306179.2).
Identifiers: ClinVar variation 36827 (VCV000036827.10), dbSNP rs193922601, ClinGen allele CA214320.

ClinVar aggregate classification (germline): Conflicting classifications of pathogenicity. Review status: criteria provided, conflicting classifications (1 of 4 stars). 4 submissions from 4 submitters: Uncertain significance (1); Benign (2); Likely benign (1). Last evaluated 2026-01-12.

Conditions:
Maturity-onset diabetes of the young (MODY). Also called: Maturity onset diabetes mellitus in young. Identifiers: Orphanet 552, MedGen C0342276, MONDO:0018911, HP:0004904.
Type 2 diabetes mellitus. Also called: Type II diabetes mellitus. Identifiers: MedGen C0011860, MeSH D003924, MONDO:0005148, OMIM 125853, HP:0005978.
Diabetes mellitus type 1 (T1D). Also called: Type I diabetes mellitus; Diabetes Mellitus, Juvenile-Onset. Identifiers: MedGen C0011854, MONDO:0005147, OMIM 222100, HP:0100651.
Nonpapillary renal cell carcinoma. Identifiers: Orphanet 422526, MedGen CN074294, MONDO:0007763, OMIM 144700.
Hepatic adenomas, familial. Also called: HEPATIC ADENOMA, SOMATIC; LIVER CELL ADENOMAS, FAMILIAL. Identifiers: MedGen C1840646, MONDO:0007718, OMIM 142330.
Maturity-onset diabetes of the young type 3. Also called: MODY type 3; MODY, type III. Identifiers: Orphanet 552, MedGen C1838100, MeSH C563933, MONDO:0010894, OMIM 600496. Disease mechanism: loss of function.
Type 1 diabetes mellitus 20 (T1D20). Also called: Diabetes mellitus, insulin-dependent, 20. Identifiers: MedGen C2675866, MONDO:0012919, OMIM 612520.

Allele frequency attached by ClinVar (database versions not stated): gnomAD 0.00001 and 0.00002; ESP Exome Variant Server 0.00008; gnomAD exomes 0.00012; TOPMed 0.00004; ExAC 0.00013.
gnomAD v4.1: 176 of 1,612,446 alleles (0.011%); highest among the groups gnomAD compares: South Asian, 0.076%; 1 homozygote.

Submissions (4):

Labcorp Genetics (formerly Invitae), Labcorp
Classification: Likely benign. Last evaluated: 2026-01-12. Review status: criteria provided, single submitter. Criteria: Invitae Variant Classification Sherloc (09022015). Collection method: clinical testing. Allele origin: germline.

Women's Health and Genetics/Laboratory Corporation of America, LabCorp
Classification: Benign. Last evaluated: 2024-12-03. Review status: criteria provided, single submitter. Criteria: LabCorp Variant Classification Summary - May 2015. Collection method: clinical testing. Allele origin: germline.
Comment: Variant summary: HNF1A c.713+14C>T alters a non-conserved nucleotide located at a position not widely known to affect splicing. Consensus agreement among computation tools predict no significant impact on normal splicing. However, these predictions have yet to be confirmed by functional studies. The variant allele was found at a frequency of 0.00011 in 1605456 control chromosomes, predominantly at a frequency of 0.00076 within the South Asian subpopulation in the gnomAD database (v4.1 dataset), including 1 homozygote. The observed variant frequency within South Asian control individuals in the gnomAD database is approximately 30-fold of the estimated maximal expected allele frequency for a pathogenic variant in HNF1A causing Maturity Onset Diabetes Of The Young 3 phenotype (2.5e-05). c.713+14C>T has been reported in the literature in an individual(s) affected with early onset diabetes (e.g. Arslanoglu_2023), however no supporting evidence for causality was provided. These report(s) do not provide unequivocal conclusions about association of the variant with Maturity Onset Diabetes Of The Young 3. To our knowledge, no experimental evidence demonstrating an impact on protein function has been reported. The following publication have been ascertained in the context of this evaluation (PMID: 38933241). ClinVar contains an entry for this variant (Variation ID: 36827). Based on the evidence outlined above, the variant was classified as benign.

Fulgent Genetics
Classification: Uncertain significance for Type 2 diabetes mellitus; Hepatic adenomas, familial; Nonpapillary renal cell carcinoma; Diabetes mellitus type 1; Maturity-onset diabetes of the young type 3; Type 1 diabetes mellitus 20. Last evaluated: 2022-04-07. Review status: criteria provided, single submitter. Criteria: ACMG Guidelines, 2015. Collection method: clinical testing. Allele origin: unknown.

Clinical Genomics, Uppaluri K&H Personalized Medicine Clinic
Classification: Benign for Maturity-onset diabetes of the young. Review status: criteria provided, single submitter. Criteria: K & H Uppaluri Personalized Medicine Clinic Variant Classification & Assertion Criteria_Updated V.1. Collection method: research. Allele origin: unknown. Inheritance: Autosomal dominant inheritance.
Comment: Mutations in HNF1A gene can predispose to MODY3. It is associated with both micro and macrovascular complications of diabetes, especially cardiovascular complications. Associated with glucosuria. May respond well to sulfonylureas. However, more evidence is required to confer the association of this particular variant rs193922601 with MODY3.

Literature cited by the submitters: PubMed 38933241 (cited by Women's Health and Genetics/Laboratory Corporation of America, LabCorp); PubMed 31517624 (cited by Clinical Genomics, Uppaluri K&H Personalized Medicine Clinic); PubMed 35328643 (cited by Clinical Genomics, Uppaluri K&H Personalized Medicine Clinic); PubMed 35673428 (cited by Clinical Genomics, Uppaluri K&H Personalized Medicine Clinic); PubMed 32395877 (cited by Clinical Genomics, Uppaluri K&H Personalized Medicine Clinic).